The following is an entry in ClinVar:

NM_000393.5(COL5A2):c.868C>T (p.Pro290Ser)

Gene: COL5A2 (collagen type V alpha 2 chain; minus strand). Cytogenetic location: 2q32.2.
Variant type: single nucleotide variant.
Coding change: c.868C>T on transcript NM_000393.5 (MANE Select); coding-DNA position 868, C replaced by T.
Protein change: p.Pro290Ser; replaces proline 290 with serine.
Molecular consequence: missense variant.
Genome position (GRCh38, 1-based): chr2:189,081,028, G>A on the plus strand (C>T on the coding strand, the complement: COL5A2 is on the minus strand). VCF-style: chr2-189081028-G-A. GRCh37 (hg19) VCF-style: chr2-189945754-G-A.
Other names: short protein forms P290S.
Identifiers: ClinVar variation 2909045 (VCV002909045.3), dbSNP rs1482551069, ClinGen allele CA349857278.
Genomic context (GRCh38, chr2:189,081,028, plus strand): 5'-GATTACAATAGATTGAACTTACTCGGTGACCCTTCAGACCTGGAAGACCAGGAGCCCCAG[G>A]AAATCCACGAGCTCCCTGGGAGGAAAACATAGATAGGGCATTTTACAGTCATTAATAAGG-3'
Protein context (NP_000384.2, residues 280-300): FAGSPGARGF[Pro290Ser]GAPGLPGLKG

ClinVar aggregate classification (germline): Uncertain significance (1 of 4 stars; one submission).

Conditions:
Ehlers-Danlos syndrome, classic type, 1 (EDSCL1). Also called: EDS I; EHLERS-DANLOS SYNDROME, GRAVIS TYPE; EHLERS-DANLOS SYNDROME, SEVERE CLASSIC TYPE; Ehlers-Danlos syndrome, type 1; Ehlers-Danlos Syndrome, Classic Type, COL5A1-Related. Identifiers: MedGen C0268335, MONDO:0019567, OMIM 130000.

Submission:

Labcorp Genetics (formerly Invitae), Labcorp
Classification: Uncertain significance for Ehlers-Danlos syndrome, classic type, 1. Last evaluated: 2023-08-15. Review status: criteria provided, single submitter. Criteria: Invitae Variant Classification Sherloc (09022015). Collection method: clinical testing. Allele origin: germline.
Comment: In summary, the available evidence is currently insufficient to determine the role of this variant in disease. Therefore, it has been classified as a Variant of Uncertain Significance. Advanced modeling of protein sequence and biophysical properties (such as structural, functional, and spatial information, amino acid conservation, physicochemical variation, residue mobility, and thermodynamic stability) performed at Invitae indicates that this missense variant is not expected to disrupt COL5A2 protein function. This variant is present in population databases (no rsID available, gnomAD 0.0009%). This sequence change replaces proline, which is neutral and non-polar, with serine, which is neutral and polar, at codon 290 of the COL5A2 protein (p.Pro290Ser). This variant has not been reported in the literature in individuals affected with COL5A2-related conditions.